The following is an entry in ClinVar:

ClinVar aggregate classification (germline): Uncertain significance (1 of 4 stars; one submission).

Allele frequency attached by ClinVar (database versions not stated): gnomAD exomes below 0.00001.
gnomAD v4.1: 2 of 1,614,202 alleles (0.00012%); highest among the groups gnomAD compares: Non-Finnish European, 0.00017%; no homozygotes.

Submission:

Labcorp Genetics (formerly Invitae), Labcorp
Classification: Uncertain significance. Last evaluated: 2024-10-16. Review status: criteria provided, single submitter. Criteria: Invitae Variant Classification Sherloc (09022015). Collection method: clinical testing. Allele origin: germline.
Comment: This sequence change replaces proline, which is neutral and non-polar, with leucine, which is neutral and non-polar, at codon 1756 of the SRCAP protein (p.Pro1756Leu). This variant is not present in population databases (gnomAD no frequency). This variant has not been reported in the literature in individuals affected with SRCAP-related conditions. ClinVar contains an entry for this variant (Variation ID: 1497721). Invitae Evidence Modeling of protein sequence and biophysical properties (such as structural, functional, and spatial information, amino acid conservation, physicochemical variation, residue mobility, and thermodynamic stability) indicates that this missense variant is not expected to disrupt SRCAP protein function with a negative predictive value of 80%. In summary, the available evidence is currently insufficient to determine the role of this variant in disease. Therefore, it has been classified as a Variant of Uncertain Significance.

NM_006662.3(SRCAP):c.5267C>T (p.Pro1756Leu)

Gene: SRCAP (Snf2 related CREBBP activator protein; plus strand). Cytogenetic location: 16p11.2.
Variant type: single nucleotide variant.
Coding change: c.5267C>T on transcript NM_006662.3 (MANE Select); coding-DNA position 5267, C replaced by T.
Protein change: p.Pro1756Leu; replaces proline 1756 with leucine.
Molecular consequence: missense variant.
Genome position (GRCh38, 1-based): chr16:30,724,691, C>T. VCF-style: chr16-30724691-C-T. GRCh37 (hg19) VCF-style: chr16-30736012-C-T.
Other names: short protein forms P1756L.
Identifiers: ClinVar variation 1497721 (VCV001497721.6), dbSNP rs766374716, ClinGen allele CA395617969.